The following is an entry in ClinVar:

NM_000061.3(BTK):c.706C>T (p.Arg236Trp)

Gene: BTK (Bruton tyrosine kinase; minus strand). Cytogenetic location: Xq22.1.
Variant type: single nucleotide variant.
Coding change: c.706C>T on transcript NM_000061.3 (MANE Select); coding-DNA position 706, C replaced by T.
Protein change: p.Arg236Trp; replaces arginine 236 with tryptophan.
Molecular consequence: missense variant.
Genome position (GRCh38, 1-based): chrX:101,360,638, G>A on the plus strand (C>T on the coding strand, the complement: BTK is on the minus strand). VCF-style: chrX-101360638-G-A. GRCh37 (hg19) VCF-style: chrX-100615626-G-A.
Other names: c.808C>T, p.Arg270Trp (NM_001287344.2); c.706C>T, p.Arg236Trp (NM_001287345.2); short protein forms R236W, R270W.
Identifiers: ClinVar variation 3700844 (VCV003700844.2).

ClinVar aggregate classification (germline): Uncertain significance (1 of 4 stars; one submission).

Conditions:
X-linked agammaglobulinemia with growth hormone deficiency (IGHD3). Also called: AGAMMAGLOBULINEMIA AND ISOLATED GROWTH HORMONE DEFICIENCY, X-LINKED; HYPOGAMMAGLOBULINEMIA AND ISOLATED GROWTH HORMONE DEFICIENCY, X-LINKED; IGHD III; ISOLATED GROWTH HORMONE DEFICIENCY, TYPE III, WITH AGAMMAGLOBULINEMIA; Isolated growth hormone deficiency type 3; Growth hormone deficiency with hypogammaglobulinemia. Identifiers: Orphanet 231692, Orphanet 631, MedGen C0472813, MONDO:0010615, OMIM 307200.

gnomAD v4.1: 9 of 1,209,684 alleles (0.00074%); highest among the groups gnomAD compares: East Asian, 0.0089%; no homozygotes.

Submission:

Labcorp Genetics (formerly Invitae), Labcorp
Classification: Uncertain significance for X-linked agammaglobulinemia with growth hormone deficiency. Last evaluated: 2025-04-23. Review status: criteria provided, single submitter. Criteria: Invitae Variant Classification Sherloc (09022015). Collection method: clinical testing. Allele origin: germline.
Comment: This sequence change replaces arginine, which is basic and polar, with tryptophan, which is neutral and slightly polar, at codon 236 of the BTK protein (p.Arg236Trp). This variant is present in population databases (rs782467781, gnomAD 0.03%), including at least one homozygous and/or hemizygous individual. This variant has not been reported in the literature in individuals affected with BTK-related conditions. ClinVar contains an entry for this variant (Variation ID: 3700844). Invitae Evidence Modeling of protein sequence and biophysical properties (such as structural, functional, and spatial information, amino acid conservation, physicochemical variation, residue mobility, and thermodynamic stability) has been performed for this missense variant. However, the output from this modeling did not meet the statistical confidence thresholds required to predict the impact of this variant on BTK protein function. In summary, the available evidence is currently insufficient to determine the role of this variant in disease. Therefore, it has been classified as a Variant of Uncertain Significance.